The following is an entry in ClinVar:

ClinVar aggregate classification (germline): Uncertain significance. Review status: criteria provided, multiple submitters, no conflicts (2 of 4 stars). 4 submissions from 4 submitters: Uncertain significance (3). 1 of the submissions does not count toward it. Last evaluated 2025-09-19.

Conditions:
Hereditary cancer-predisposing syndrome. Also called: Hereditary Cancer Syndrome; Hereditary neoplastic syndrome; Neoplastic Syndromes, Hereditary; Tumor predisposition. Identifiers: Orphanet 140162, MedGen C0027672, MeSH D009386, MONDO:0015356.
Ataxia-telangiectasia syndrome (AT). Also called: Ataxia-telangiectasia, complementation group E; LOUIS-BAR SYNDROME; Cerebello-oculocutaneous telangiectasia; Immunodeficiency with ataxia telangiectasia; Ataxia-telangiectasia, complementation group D; AT, COMPLEMENTATION GROUP C. Identifiers: Orphanet 100, MedGen C0004135, MONDO:0008840, OMIM 208900.

Allele frequency attached by ClinVar (database versions not stated): gnomAD exomes below 0.00001.

Submissions (4):

Labcorp Genetics (formerly Invitae), Labcorp
Classification: Uncertain significance for Ataxia-telangiectasia syndrome. Last evaluated: 2025-09-19. Review status: criteria provided, single submitter. Criteria: Invitae Variant Classification Sherloc (09022015). Collection method: clinical testing. Allele origin: germline.
Comment: This sequence change replaces methionine, which is neutral and non-polar, with isoleucine, which is neutral and non-polar, at codon 1131 of the ATM protein (p.Met1131Ile). This variant is not present in population databases (gnomAD no frequency). This variant has not been reported in the literature in individuals affected with ATM-related conditions. ClinVar contains an entry for this variant (Variation ID: 924958). Invitae Evidence Modeling of protein sequence and biophysical properties (such as structural, functional, and spatial information, amino acid conservation, physicochemical variation, residue mobility, and thermodynamic stability) indicates that this missense variant is not expected to disrupt ATM protein function with a negative predictive value of 95%. In summary, the available evidence is currently insufficient to determine the role of this variant in disease. Therefore, it has been classified as a Variant of Uncertain Significance.

Ambry Genetics
Classification: Uncertain significance for Hereditary cancer-predisposing syndrome. Last evaluated: 2024-04-28. Review status: criteria provided, single submitter. Criteria: Ambry Variant Classification Scheme 2023. Collection method: clinical testing. Allele origin: germline.
Comment: The p.M1131I variant (also known as c.3393G>A), located in coding exon 22 of the ATM gene, results from a G to A substitution at nucleotide position 3393. The methionine at codon 1131 is replaced by isoleucine, an amino acid with highly similar properties. This amino acid position is not well conserved in available vertebrate species. In addition, this alteration is predicted to be tolerated by in silico analysis. Since supporting evidence is limited at this time, the clinical significance of this alteration remains unclear.

Color Diagnostics, LLC DBA Color Health
Classification: Uncertain significance for Hereditary cancer-predisposing syndrome. Last evaluated: 2019-11-20. Review status: criteria provided, single submitter. Criteria: ACMG Guidelines, 2015. Collection method: clinical testing. Allele origin: germline.
Comment: This missense variant replaces methionine with isoleucine at codon 1131 of the ATM protein. Computational prediction tool suggests that this variant may not impact protein structure and function (internally defined REVEL score threshold ≤0.5, PMID: 27666373). Splice site prediction tools suggest that this variant may not impact RNA splicing. To our knowledge, functional studies have not been performed for this variant. This variant has not been reported in individuals affected with hereditary cancer in the literature. This variant has been identified in 1/250728 chromosomes in the general population by the Genome Aggregation Database (gnomAD). The available evidence is insufficient to determine the role of this variant in disease conclusively. Therefore, this variant is classified as a Variant of Uncertain Significance.

Natera, Inc.
Classification: Uncertain significance for Ataxia-telangiectasia. Last evaluated: 2025-05-25. Review status: no assertion criteria provided. Collection method: clinical testing. Allele origin: germline. Not counted in ClinVar's aggregate classification.

NM_000051.4(ATM):c.3393G>A (p.Met1131Ile)

Gene: ATM (ATM serine/threonine kinase; plus strand). Cytogenetic location: 11q22.3.
Variant type: single nucleotide variant.
Coding change: c.3393G>A on transcript NM_000051.4 (MANE Select); coding-DNA position 3393, G replaced by A.
Protein change: p.Met1131Ile; replaces methionine 1131 with isoleucine.
Molecular consequence: missense variant.
Genome position (GRCh38, 1-based): chr11:108,279,599, G>A. VCF-style: chr11-108279599-G-A. GRCh37 (hg19) VCF-style: chr11-108150326-G-A.
Other names: c.3393G>A, p.Met1131Ile (NM_001351834.2); short protein forms M1131I.
Identifiers: ClinVar variation 924958 (VCV000924958.14), dbSNP rs1565439576, ClinGen allele CA382517830.
Genomic context (GRCh38, chr11:108,279,599, plus strand): 5'-TCCTTTGAAGCTTCAGCAAACAGCTTTTGAAAATGCATACTTGAAAGCTCAGGAAGGAAT[G>A]AGAGAAATGGTAATTTTAAGTAACATGTATTTGCTGTTATCATATGCTTGCTATGAATAT-3'
Protein context (NP_000042.3, residues 1121-1141): ENAYLKAQEG[Met1131Ile]REMSHSAENP